The following is an entry in ClinVar:

NM_000719.7(CACNA1C):c.6118-104_6118-10delinsC

Genes: CACNA1C (calcium voltage-gated channel subunit alpha1 C; plus strand), CACNA1C-AS1 (CACNA1C antisense RNA 1; minus strand). Cytogenetic location: 12p13.33.
Variant type: Indel.
Coding change: c.6118-104_6118-10delinsC on transcript NM_000719.7 (MANE Select); 104 bases into the intron before coding-DNA position 6118 through 10 bases into the intron before coding-DNA position 6118, the reference bases replaced by C.
Molecular consequence: intron variant.
Genome position (GRCh38, 1-based): chr12:2,690,796-2,690,890, 95 bases replaced. GRCh37 (hg19): chr12:2,799,962-2,800,056.
Other names: c.6223-104_6223-10delinsC (NM_001167624.3, NM_001129830.3); c.6118-104_6118-10delinsC (NM_001167623.2, NM_001129840.2, NM_001129842.2 and 2 more transcripts); c.6298-104_6298-10delinsC (NM_001167625.2); c.6367-104_6367-10delinsC (NM_199460.4); c.6262-104_6262-10delinsC (NM_001129827.2); c.6178-104_6178-10delinsC (NM_001129832.2); c.6202-104_6202-10delinsC (NM_001129831.2); c.6175-104_6175-10delinsC (NM_001129833.2, NM_001129834.2, NM_001129835.2); and 6 more.
Identifiers: ClinVar variation 2701120 (VCV002701120.3), dbSNP rs2535418062, ClinGen allele CA2697559103.

ClinVar aggregate classification (germline): Uncertain significance (1 of 4 stars; one submission).

Conditions:
Long QT syndrome (LQTS). Identifiers: MedGen C0023976, MeSH D008133, MONDO:0002442. Disease mechanism: loss of function. Inheritance: Various modes of inheritance.

Submission:

Labcorp Genetics (formerly Invitae), Labcorp
Classification: Uncertain significance for Long QT syndrome. Last evaluated: 2023-12-05. Review status: criteria provided, single submitter. Criteria: Invitae Variant Classification Sherloc (09022015). Collection method: clinical testing. Allele origin: germline.
Comment: This sequence change falls in intron 46 of the CACNA1C gene. It does not directly change the encoded amino acid sequence of the CACNA1C protein. This variant is not present in population databases (gnomAD no frequency). This variant has not been reported in the literature in individuals affected with CACNA1C-related conditions. Experimental studies and prediction algorithms are not available or were not evaluated, and the effect of this variant on mRNA splicing is currently unknown. In summary, the available evidence is currently insufficient to determine the role of this variant in disease. Therefore, it has been classified as a Variant of Uncertain Significance.